The following is an entry in ClinVar:

NM_006265.3(RAD21):c.1549C>T (p.Pro517Ser)

Gene: RAD21 (RAD21 cohesin complex component; minus strand). Cytogenetic location: 8q24.11.
Variant type: single nucleotide variant.
Coding change: c.1549C>T on transcript NM_006265.3 (MANE Select); coding-DNA position 1549, C replaced by T.
Protein change: p.Pro517Ser; replaces proline 517 with serine.
Molecular consequence: missense variant.
Genome position (GRCh38, 1-based): chr8:116,850,689, G>A on the plus strand (C>T on the coding strand, the complement: RAD21 is on the minus strand). VCF-style: chr8-116850689-G-A. GRCh37 (hg19) VCF-style: chr8-117862928-G-A.
Other names: short protein forms P517S.
Identifiers: ClinVar variation 2883895 (VCV002883895.3), dbSNP rs2537287758, ClinGen allele CA371996314.

ClinVar aggregate classification (germline): Uncertain significance (1 of 4 stars; one submission).

Conditions:
Cornelia de Lange syndrome 4 (CDLS4). Also called: RAD21-Related Cornelia de Lange Syndrome; CORNELIA DE LANGE SYNDROME 4 WITH OR WITHOUT MIDLINE BRAIN DEFECTS. Identifiers: Orphanet 199, MedGen C3553517, MONDO:0013864, OMIM 614701.

gnomAD v4.1: 2 of 1,612,914 alleles (0.00012%); highest among the groups gnomAD compares: Non-Finnish European, 0.00017%; no homozygotes.

Submission:

Labcorp Genetics (formerly Invitae), Labcorp
Classification: Uncertain significance for Cornelia de Lange syndrome 4. Last evaluated: 2023-09-11. Review status: criteria provided, single submitter. Criteria: Invitae Variant Classification Sherloc (09022015). Collection method: clinical testing. Allele origin: germline.
Comment: This variant is not present in population databases (gnomAD no frequency). This sequence change replaces proline, which is neutral and non-polar, with serine, which is neutral and polar, at codon 517 of the RAD21 protein (p.Pro517Ser). This variant has not been reported in the literature in individuals affected with RAD21-related conditions. In summary, the available evidence is currently insufficient to determine the role of this variant in disease. Therefore, it has been classified as a Variant of Uncertain Significance. An algorithm developed to predict the effect of missense changes on protein structure and function (PolyPhen-2) suggests that this variant is likely to be tolerated.